The following is an entry in ClinVar:

ClinVar aggregate classification (germline): Benign (1 of 4 stars; one submission).

Submission:

GeneDx
Classification: Benign. Last evaluated: 2018-06-16. Review status: criteria provided, single submitter. Criteria: GeneDx Variant Classification (06012015). Collection method: clinical testing. Allele origin: germline. Affected: yes.
Comment: This variant is considered likely benign or benign based on one or more of the following criteria: it is a conservative change, it occurs at a poorly conserved position in the protein, it is predicted to be benign by multiple in silico algorithms, and/or has population frequency not consistent with disease.

NM_206933.4(USH2A):c.11390-52AT[9]

Gene: USH2A (usherin; minus strand). Cytogenetic location: 1q41.
Variant type: Microsatellite.
Coding change: c.11390-52AT[9] on transcript NM_206933.4 (MANE Select); nine copies in a row of the 2-base unit AT starting at c.11390-52; the reference has eight copies in a row; one copy, 2 bases duplicated.
Molecular consequence: intron variant.
Genome position (GRCh38, 1-based): chr1:215,743,372-215,743,373, AT duplicated on the plus strand (AT on the coding strand, the reverse complement: USH2A is on the minus strand); duplicating any 2 consecutive bases within chr1:215,743,372-215,743,387 gives the same sequence; the position shown is the placement nearest the transcript's 3' end. VCF-style (leftmost placement, unchanged base first): chr1-215743371-C-CAT. GRCh37 (hg19) VCF-style: chr1-215916713-C-CAT.
Identifiers: ClinVar variation 678887 (VCV000678887.1), dbSNP rs376081393, ClinGen allele CA1393729.